The following is an entry in ClinVar:

NC_000002.12:g.(?_214728666)_(214797127_?)del

Genes: BARD1 (BRCA1 associated RING domain 1; minus strand), LOC129935540 (ATAC-STARR-seq lymphoblastoid active region 17070; plus strand), LOC129935541 (ATAC-STARR-seq lymphoblastoid active region 17071; plus strand). Cytogenetic location: 2q35.
Variant type: Deletion.
Identifiers: ClinVar variation 655226 (VCV000655226.2).

ClinVar aggregate classification (germline): Pathogenic (1 of 4 stars; one submission).

Conditions:
Familial cancer of breast. Also called: Hereditary breast cancer; hereditary breast carcinoma; BREAST CANCER, FAMILIAL. Identifiers: Orphanet 227535, MedGen C0346153, MONDO:0016419, OMIM 114480. Disease mechanism: loss of function.

Submission:

Labcorp Genetics (formerly Invitae), Labcorp
Classification: Pathogenic for Hereditary Breast Carcinoma. Last evaluated: 2018-09-07. Review status: criteria provided, single submitter. Criteria: Invitae Variant Classification Sherloc (09022015). Collection method: clinical testing. Allele origin: germline.
Comment: This variant is a gross deletion of the genomic region encompassing exons 2-11 of the BARD1 gene. The 5' boundary is likely confined to intron 1. The 3' end of this event is unknown as it extends through the termination codon beyond the assayed region for this gene and may encompass additional genes. While this deletion is not anticipated to result in nonsense mediated decay, it is expected to create a truncated protein product or disrupt mRNA translation. Deletions of exons 2-11 have not been reported in the literature in individuals with BARD1-related disease. Deletion of exons 2-11 removes the C-terminal BRCT domains of the BARD1 protein. Experimental studies have shown that the BRCT domains are required for BARD1 homology-directed repair activity and the maintenance of chromosomal stability in vitro (PMID: 17848578, 14560035). Loss-of-function variants in BARD1 are known to be pathogenic (PMID: 20077502, 21344236). For these reasons, this variant has been classified as Pathogenic.

Literature cited by the submitters: PubMed 17848578; PubMed 14560035.